The following is an entry in ClinVar:

ClinVar aggregate classification (germline): Benign/Likely benign. Review status: criteria provided, multiple submitters, no conflicts (2 of 4 stars). 4 submissions from 4 submitters: Benign (1); Likely benign (2). 1 of the submissions does not count toward it. Last evaluated 2024-09-04.

Conditions:
Inborn genetic diseases. Identifiers: MedGen C0950123, MeSH D030342.
ASXL3-related disorder. Also called: ASXL3-related condition. Identifiers: MedGen CN381524.

Allele frequency attached by ClinVar (database versions not stated): gnomAD exomes 0.00004 and 0.00013; 1000 Genomes Project 30x 0.00016; ExAC 0.00019; 1000 Genomes Project 0.00020; gnomAD 0.00062 and 0.00070; ESP Exome Variant Server 0.00083.
gnomAD v4.1: 162 of 1,613,810 alleles (0.01%); highest among the groups gnomAD compares: African/African-American, 0.19%; no homozygotes.

Submissions (4):

Ambry Genetics
Classification: Likely benign for Inborn genetic diseases. Last evaluated: 2024-09-04. Review status: criteria provided, single submitter. Criteria: Ambry Variant Classification Scheme 2023. Collection method: clinical testing. Allele origin: germline.

GeneDx
Classification: Benign. Last evaluated: 2021-01-13. Review status: criteria provided, single submitter. Criteria: GeneDx Variant Classification Process June 2021. Collection method: clinical testing. Allele origin: germline. Affected: yes.

Breakthrough Genomics
Classification: Likely benign. Review status: criteria provided, single submitter. Criteria: ACMG Guidelines, 2015. Collection method: not provided. Allele origin: germline. Inheritance: Autosomal dominant inheritance. Affected: yes.

PreventionGenetics, part of Exact Sciences
Classification: Likely benign for ASXL3-related condition. Last evaluated: 2023-08-14. Review status: no assertion criteria provided. Collection method: clinical testing. Allele origin: germline. Not counted in ClinVar's aggregate classification.
Comment: This variant is classified as likely benign based on ACMG/AMP sequence variant interpretation guidelines (Richards et al. 2015 PMID: 25741868, with internal and published modifications).

NM_030632.3(ASXL3):c.3124T>C (p.Ser1042Pro)

Gene: ASXL3 (ASXL transcriptional regulator 3; plus strand). Cytogenetic location: 18q12.1.
Variant type: single nucleotide variant.
Coding change: c.3124T>C on transcript NM_030632.3 (MANE Select); coding-DNA position 3124, T replaced by C.
Protein change: p.Ser1042Pro; replaces serine 1042 with proline.
Molecular consequence: missense variant.
Genome position (GRCh38, 1-based): chr18:33,742,972, T>C. VCF-style: chr18-33742972-T-C. GRCh37 (hg19) VCF-style: chr18-31322936-T-C.
Other names: c.3124T>C (NM_030632.2); short protein forms S1042P.
Identifiers: ClinVar variation 1259829 (VCV001259829.6), dbSNP rs201364738, ClinGen allele CA8934030.
Genomic context (GRCh38, chr18:33,742,972, plus strand): 5'-CCTTTTATAATCAAGAGCCAACCAGTCTCCAAACCTGAGTCTCGAGCATCCACTAGCACA[T>C]CTGTCAGTGGCGGGAGGAACACAGGAGCCAGGACCCTCGCAGATATCAAGGCCCGGGCCC-3'
Protein context (NP_085135.1, residues 1032-1052): KPESRASTST[Ser1042Pro]VSGGRNTGAR